The following is an entry in ClinVar:

NM_000138.5(FBN1):c.2729-1G>A

Gene: FBN1 (fibrillin 1; minus strand). Cytogenetic location: 15q21.1.
Variant type: single nucleotide variant.
Coding change: c.2729-1G>A on transcript NM_000138.5 (MANE Select); the canonical splice acceptor site of the intron before coding-DNA position 2729, G replaced by A.
Molecular consequence: splice acceptor variant.
Genome position (GRCh38, 1-based): chr15:48,492,587, C>T on the plus strand (G>A on the coding strand, the complement: FBN1 is on the minus strand). VCF-style: chr15-48492587-C-T. GRCh37 (hg19) VCF-style: chr15-48784784-C-T.
Other names: c.2729-1G>A (NM_001406716.1).
Identifiers: ClinVar variation 1456953 (VCV001456953.8), dbSNP rs1487002781, ClinGen allele CA392330923.

ClinVar aggregate classification (germline): Pathogenic (1 of 4 stars; one submission).

Conditions:
Marfan syndrome (MFS). Also called: MARFAN SYNDROME, TYPE I; Marfan syndrome type 1; Marfan's syndrome; Marfan syndrome, classic; FBN1-Related Marfan Syndrome. Identifiers: Orphanet 284963, Orphanet 558, MedGen C0024796, MONDO:0007947, OMIM 154700.
Familial thoracic aortic aneurysm and aortic dissection (TAAD). Also called: Thoracic aortic aneurysms and dissections. Identifiers: Orphanet 91387, MedGen C4707243, MONDO:0019625.

Submission:

Labcorp Genetics (formerly Invitae), Labcorp
Classification: Pathogenic for Marfan syndrome; Familial thoracic aortic aneurysm and aortic dissection. Last evaluated: 2024-01-02. Review status: criteria provided, single submitter. Criteria: Invitae Variant Classification Sherloc (09022015). Collection method: clinical testing. Allele origin: germline.
Comment: This sequence change affects an acceptor splice site in intron 23 of the FBN1 gene. It is expected to disrupt RNA splicing. Variants that disrupt the donor or acceptor splice site typically lead to a loss of protein function (PMID: 16199547), and loss-of-function variants in FBN1 are known to be pathogenic (PMID: 17657824, 19293843). This variant is not present in population databases (gnomAD no frequency). Disruption of this splice site has been observed in individual(s) with clinical features of Marfan syndrome (Invitae). ClinVar contains an entry for this variant (Variation ID: 1456953). Algorithms developed to predict the effect of sequence changes on RNA splicing suggest that this variant may disrupt the consensus splice site. For these reasons, this variant has been classified as Pathogenic.

Literature cited by the submitters: PubMed 16199547; PubMed 17657824; PubMed 19293843.